The following is an entry in ClinVar:

NM_007259.5(VPS45):c.1625G>C (p.Ser542Thr)

Gene: VPS45 (vacuolar protein sorting 45 homolog; plus strand). Cytogenetic location: 1q21.2.
Variant type: single nucleotide variant.
Coding change: c.1625G>C on transcript NM_007259.5 (MANE Select); coding-DNA position 1625, G replaced by C.
Protein change: p.Ser542Thr; replaces serine 542 with threonine.
Molecular consequence: missense variant. On other transcripts: non-coding transcript variant (1).
Genome position (GRCh38, 1-based): chr1:150,110,627, G>C. VCF-style: chr1-150110627-G-C. GRCh37 (hg19) VCF-style: chr1-150082742-G-C.
Other names: c.1310G>C, p.Arg437Thr (NM_001279353.2); c.1517G>C, p.Ser506Thr (NM_001279354.2); short protein forms S506T, S542T, R437T.
Identifiers: ClinVar variation 3699743 (VCV003699743.2).

ClinVar aggregate classification (germline): Uncertain significance (1 of 4 stars; one submission).

Conditions:
Congenital neutropenia-myelofibrosis-nephromegaly syndrome. Also called: Severe congenital neutropenia 5, autosomal recessive. Identifiers: Orphanet 369852, MedGen C3809031, MONDO:0014118, OMIM 615285.

Submission:

Labcorp Genetics (formerly Invitae), Labcorp
Classification: Uncertain significance for Congenital neutropenia-myelofibrosis-nephromegaly syndrome. Last evaluated: 2024-08-31. Review status: criteria provided, single submitter. Criteria: Invitae Variant Classification Sherloc (09022015). Collection method: clinical testing. Allele origin: germline.
Comment: This sequence change replaces serine, which is neutral and polar, with threonine, which is neutral and polar, at codon 542 of the VPS45 protein (p.Ser542Thr). This variant also falls at the last nucleotide of exon 14, which is part of the consensus splice site for this exon. This variant is not present in population databases (gnomAD no frequency). This variant has not been reported in the literature in individuals affected with VPS45-related conditions. An algorithm developed to predict the effect of missense changes on protein structure and function (PolyPhen-2) suggests that this variant is likely to be disruptive. Variants that disrupt the consensus splice site are a relatively common cause of aberrant splicing (PMID: 17576681, 9536098). Algorithms developed to predict the effect of sequence changes on RNA splicing suggest that this variant may disrupt the consensus splice site. In summary, the available evidence is currently insufficient to determine the role of this variant in disease. Therefore, it has been classified as a Variant of Uncertain Significance.

Literature cited by the submitters: PubMed 17576681; PubMed 9536098.